The following is an entry in ClinVar:

ClinVar aggregate classification (germline): Likely pathogenic (1 of 4 stars; one submission).

Conditions:
Cardiovascular phenotype. Identifiers: MedGen CN230736.

Submission:

Molecular Diagnostic Laboratory for Inherited Cardiovascular Disease, Montreal Heart Institute
Classification: Likely pathogenic for Cardiovascular phenotype. Last evaluated: 2025-06-19. Review status: criteria provided, single submitter. Criteria: ACMG Guidelines, 2015. Collection method: clinical testing. Allele origin: germline. Affected: yes.
Comment: PVS1, PM2

NM_001267550.2(TTN):c.50482del (p.Ala16828fs)

Genes: TTN (titin; minus strand), TTN-AS1 (TTN antisense RNA 1; plus strand). Cytogenetic location: 2q31.2.
Variant type: Deletion.
Coding change: c.50482del on transcript NM_001267550.2 (MANE Select); coding-DNA position 50482, one base deleted (G; older notation c.50482delG).
Protein change: p.Ala16828fs; shifts the reading frame from alanine 16828.
Molecular consequence: frameshift variant.
Genome position (GRCh38, 1-based): chr2:178,611,827, C deleted on the plus strand (G on the coding strand, the reverse complement: TTN is on the minus strand); the first of 3 consecutive C bases (chr2:178,611,827-178,611,829); deleting any one gives the same sequence. VCF-style (leftmost placement, unchanged base first): chr2-178611826-GC-G. GRCh37 (hg19) VCF-style: chr2-179476553-GC-G.
Other names: c.45559del, p.Ala15187fs (NM_001256850.1); c.23287del, p.Ala7763fs (NM_003319.4); c.42778del, p.Ala14260fs (NM_133378.4); c.23662del, p.Ala7888fs (NM_133432.3); c.23863del, p.Ala7955fs (NM_133437.4); short protein forms A14260fs, A15187fs, A16828fs, A7763fs, A7888fs, A7955fs.
Identifiers: ClinVar variation 4076465 (VCV004076465.1).